The following is an entry in ClinVar:

ClinVar aggregate classification (germline): Uncertain significance. Review status: criteria provided, multiple submitters, no conflicts (2 of 4 stars). 4 submissions from 4 submitters: Uncertain significance (4). Last evaluated 2025-10-01.

Conditions:
Combined oxidative phosphorylation defect type 27. Also called: Combined oxidative phosphorylation deficiency 27. Identifiers: Orphanet 477774, MedGen C5567608, MONDO:0014728, OMIM 616672.
Inborn genetic diseases. Identifiers: MedGen C0950123, MeSH D030342.

Allele frequency attached by ClinVar (database versions not stated): gnomAD exomes 0.00005 and 0.00012; ExAC 0.00016; 1000 Genomes Project 0.00020; ESP Exome Variant Server 0.00023; 1000 Genomes Project 30x 0.00031; gnomAD 0.00044 and 0.00049; TOPMed 0.00056.
gnomAD v4.1: 143 of 1,613,104 alleles (0.0089%); highest among the groups gnomAD compares: African/African-American, 0.16%; no homozygotes.

Submissions (4):

Labcorp Genetics (formerly Invitae), Labcorp
Classification: Uncertain significance for Combined oxidative phosphorylation defect type 27. Last evaluated: 2025-10-01. Review status: criteria provided, single submitter. Criteria: Invitae Variant Classification Sherloc (09022015). Collection method: clinical testing. Allele origin: germline.
Comment: This sequence change replaces isoleucine, which is neutral and non-polar, with methionine, which is neutral and non-polar, at codon 180 of the CARS2 protein (p.Ile180Met). This variant is present in population databases (rs145988159, gnomAD 0.1%). This variant has not been reported in the literature in individuals affected with CARS2-related conditions. ClinVar contains an entry for this variant (Variation ID: 641755). Invitae Evidence Modeling of protein sequence and biophysical properties (such as structural, functional, and spatial information, amino acid conservation, physicochemical variation, residue mobility, and thermodynamic stability) indicates that this missense variant is not expected to disrupt CARS2 protein function with a negative predictive value of 80%. In summary, the available evidence is currently insufficient to determine the role of this variant in disease. Therefore, it has been classified as a Variant of Uncertain Significance.

GeneDx
Classification: Uncertain significance. Last evaluated: 2022-12-01. Review status: criteria provided, single submitter. Criteria: GeneDx Variant Classification Process June 2021. Collection method: clinical testing. Allele origin: germline. Affected: yes.
Comment: In silico analysis supports that this missense variant does not alter protein structure/function; Has not been previously published as pathogenic or benign to our knowledge

Ambry Genetics
Classification: Uncertain significance for Inborn genetic diseases. Last evaluated: 2021-06-30. Review status: criteria provided, single submitter. Criteria: Ambry Variant Classification Scheme 2023. Collection method: clinical testing. Allele origin: germline.

Baylor Genetics
Classification: Uncertain significance for Combined oxidative phosphorylation defect type 27. Last evaluated: 2020-03-13. Review status: criteria provided, single submitter. Criteria: ACMG Guidelines, 2015. Collection method: clinical testing. Allele origin: unknown. Affected: yes.
Comment: This variant was determined to be of uncertain significance according to ACMG Guidelines, 2015 [PMID:25741868].

NM_024537.4(CARS2):c.540T>G (p.Ile180Met)

Gene: CARS2 (cysteinyl-tRNA synthetase 2, mitochondrial; minus strand). Cytogenetic location: 13q34.
Variant type: single nucleotide variant.
Coding change: c.540T>G on transcript NM_024537.4 (MANE Select); coding-DNA position 540, T replaced by G.
Protein change: p.Ile180Met; replaces isoleucine 180 with methionine.
Molecular consequence: missense variant. On other transcripts: 5 prime UTR variant (1), non-coding transcript variant (2).
Genome position (GRCh38, 1-based): chr13:110,687,752, A>C on the plus strand (T>G on the coding strand, the complement: CARS2 is on the minus strand). VCF-style: chr13-110687752-A-C. GRCh37 (hg19) VCF-style: chr13-111340099-A-C.
Other names: c.-460T>G (NM_001352252.2); c.540T>G, p.Ile180Met (NM_001352253.3); short protein forms I180M.
Identifiers: ClinVar variation 641755 (VCV000641755.9), dbSNP rs145988159, ClinGen allele CA7052210.